The following is an entry in ClinVar:

NM_001273.5(CHD4):c.3779G>A (p.Arg1260His)

Gene: CHD4 (chromodomain helicase DNA binding protein 4; minus strand). Cytogenetic location: 12p13.31.
Variant type: single nucleotide variant.
Coding change: c.3779G>A on transcript NM_001273.5 (MANE Select); coding-DNA position 3779, G replaced by A.
Protein change: p.Arg1260His; replaces arginine 1260 with histidine.
Molecular consequence: missense variant.
Genome position (GRCh38, 1-based): chr12:6,587,484, C>T on the plus strand (G>A on the coding strand, the complement: CHD4 is on the minus strand). VCF-style: chr12-6587484-C-T. GRCh37 (hg19) VCF-style: chr12-6696650-C-T.
Other names: c.3758G>A, p.Arg1253His (NM_001297553.2); c.3740G>A, p.Arg1247His (NM_001363606.2); short protein forms R1247H, R1253H, R1260H.
Identifiers: ClinVar variation 4278528 (VCV004278528.1).

ClinVar aggregate classification (germline): Uncertain significance (1 of 4 stars; one submission).

gnomAD v4.1: 1 of 1,614,170 alleles (0.000062%); highest among the groups gnomAD compares: Non-Finnish European, 0.000085%; no homozygotes.

Submission:

GeneDx
Classification: Uncertain significance. Last evaluated: 2025-04-06. Review status: criteria provided, single submitter. Criteria: GeneDx Variant Classification Process June 2021. Collection method: clinical testing. Allele origin: germline. Affected: yes.
Comment: Not observed at significant frequency in large population cohorts (gnomAD); In silico analysis supports that this missense variant has a deleterious effect on protein structure/function; Has not been previously published as pathogenic or benign to our knowledge